The following is an entry in ClinVar:

ClinVar aggregate classification (germline): Likely benign. Review status: criteria provided, multiple submitters, no conflicts (2 of 4 stars). 3 submissions from 3 submitters: Likely benign (3). Last evaluated 2025-08-01.

Conditions:
Hereditary cancer-predisposing syndrome. Also called: Hereditary Cancer Syndrome; Tumor predisposition; Hereditary neoplastic syndrome; Neoplastic Syndromes, Hereditary. Identifiers: Orphanet 140162, MedGen C0027672, MeSH D009386, MONDO:0015356.
DICER1-related tumor predisposition. Also called: DICER1-related pleuropulmonary blastoma cancer predisposition syndrome; DICER1 syndrome. Identifiers: Orphanet 284343, MedGen C3839822, MONDO:0100216.

Allele frequency attached by ClinVar (database versions not stated): gnomAD exomes below 0.00001.
gnomAD v4.1: 2 of 1,613,758 alleles (0.00012%); highest among the groups gnomAD compares: Non-Finnish European, 0.00017%; no homozygotes.

Submissions (3):

CeGaT Center for Human Genetics Tuebingen
Classification: Likely benign. Last evaluated: 2025-08-01. Review status: criteria provided, single submitter. Criteria: CeGaT Center For Human Genetics Tuebingen Variant Classification Criteria Version 2. Collection method: clinical testing. Allele origin: germline. Affected: yes. Observed: 1 variant allele.
Comment: DICER1: BP4, BP7

Labcorp Genetics (formerly Invitae), Labcorp
Classification: Likely benign for DICER1-related tumor predisposition. Last evaluated: 2023-12-11. Review status: criteria provided, single submitter. Criteria: Invitae Variant Classification Sherloc (09022015). Collection method: clinical testing. Allele origin: germline.

Ambry Genetics
Classification: Likely benign for Hereditary cancer-predisposing syndrome. Last evaluated: 2018-09-11. Review status: criteria provided, single submitter. Criteria: Ambry Variant Classification Scheme 2023. Collection method: clinical testing. Allele origin: germline.

NM_177438.3(DICER1):c.718C>T (p.Leu240=)

Gene: DICER1 (dicer 1, ribonuclease III; minus strand). Cytogenetic location: 14q32.13.
Variant type: single nucleotide variant.
Coding change: c.718C>T on transcript NM_177438.3 (MANE Select); coding-DNA position 718, C replaced by T.
Protein change: p.Leu240=; no amino-acid change (leucine 240 retained).
Molecular consequence: synonymous variant.
Genome position (GRCh38, 1-based): chr14:95,129,488, G>A on the plus strand (C>T on the coding strand, the complement: DICER1 is on the minus strand). VCF-style: chr14-95129488-G-A. GRCh37 (hg19) VCF-style: chr14-95595825-G-A.
Other names: c.718C>T, p.Leu240= (NM_001195573.1, NM_001271282.3, NM_001291628.2 and 1 more transcripts).
Identifiers: ClinVar variation 753395 (VCV000753395.21), dbSNP rs1060503615, ClinGen allele CA487633794.